The following is an entry in ClinVar:

NM_016222.4(DDX41):c.449G>T (p.Arg150Leu)

Gene: DDX41 (DEAD-box helicase 41; minus strand). Cytogenetic location: 5q35.3.
Variant type: single nucleotide variant.
Coding change: c.449G>T on transcript NM_016222.4 (MANE Select); coding-DNA position 449, G replaced by T.
Protein change: p.Arg150Leu; replaces arginine 150 with leucine.
Molecular consequence: missense variant.
Genome position (GRCh38, 1-based): chr5:177,515,807, C>A on the plus strand (G>T on the coding strand, the complement: DDX41 is on the minus strand). VCF-style: chr5-177515807-C-A. GRCh37 (hg19) VCF-style: chr5-176942808-C-A.
Other names: c.71G>T, p.Arg24Leu (NM_001321732.2, NM_001321830.2); c.449G>T (NM_016222.2); short protein forms R24L, R150L.
Identifiers: ClinVar variation 1933966 (VCV001933966.6), dbSNP rs763624515, ClinGen allele CA362376240.
Genomic context (GRCh38, chr5:177,515,807, plus strand): 5'-AGGATGTGGTATTTCTTCCGCACGCGCTCATGTCGCTCTTCAGACATGCTCAGAACATAA[C>A]GGGGTGGAGTCCAGCTGTGGATGGGTAACAGGGATCAAGAGAGCCCTGGGAATAGCTGGC-3'
Protein context (NP_057306.2, residues 140-160): DPIKTSWTPP[Arg150Leu]YVLSMSEERH

ClinVar aggregate classification (germline): Uncertain significance. Review status: criteria provided, multiple submitters, no conflicts (2 of 4 stars). 2 submissions from 2 submitters: Uncertain significance (2). Last evaluated 2025-06-07.

Conditions:
Inborn genetic diseases. Identifiers: MedGen C0950123, MeSH D030342.

Submissions (2):

Ambry Genetics
Classification: Uncertain significance for Inborn genetic diseases. Last evaluated: 2025-06-07. Review status: criteria provided, single submitter. Criteria: Ambry Variant Classification Scheme 2023. Collection method: clinical testing. Allele origin: germline.
Comment: The p.R150L variant (also known as c.449G>T), located in coding exon 6 of the DDX41 gene, results from a G to T substitution at nucleotide position 449. The arginine at codon 150 is replaced by leucine, an amino acid with dissimilar properties. This amino acid position is conserved. In addition, this alteration is predicted to be tolerated by in silico analysis. Based on the available evidence, the clinical significance of this variant remains unclear.

Labcorp Genetics (formerly Invitae), Labcorp
Classification: Uncertain significance. Last evaluated: 2022-06-12. Review status: criteria provided, single submitter. Criteria: Invitae Variant Classification Sherloc (09022015). Collection method: clinical testing. Allele origin: germline.
Comment: Algorithms developed to predict the effect of missense changes on protein structure and function are either unavailable or do not agree on the potential impact of this missense change (SIFT: "Not Available"; PolyPhen-2: "Benign"; Align-GVGD: "Not Available"). This variant has not been reported in the literature in individuals affected with DDX41-related conditions. This variant is not present in population databases (gnomAD no frequency). This sequence change replaces arginine, which is basic and polar, with leucine, which is neutral and non-polar, at codon 150 of the DDX41 protein (p.Arg150Leu). In summary, the available evidence is currently insufficient to determine the role of this variant in disease. Therefore, it has been classified as a Variant of Uncertain Significance.